The following is an entry in ClinVar:

NM_000719.7(CACNA1C):c.4127T>C (p.Val1376Ala)

Gene: CACNA1C (calcium voltage-gated channel subunit alpha1 C; plus strand). Cytogenetic location: 12p13.33.
Variant type: single nucleotide variant.
Coding change: c.4127T>C on transcript NM_000719.7 (MANE Select); coding-DNA position 4127, T replaced by C.
Protein change: p.Val1376Ala; replaces valine 1376 with alanine.
Molecular consequence: missense variant.
Genome position (GRCh38, 1-based): chr12:2,653,887, T>C. VCF-style: chr12-2653887-T-C. GRCh37 (hg19) VCF-style: chr12-2763053-T-C.
Other names: c.4271T>C, p.Val1424Ala (NM_001129827.2, NM_199460.4); c.4193T>C, p.Val1398Ala (NM_001129829.2); c.4127T>C, p.Val1376Ala (NM_001129830.3, NM_001129833.2, NM_001129834.2 and 7 more transcripts); c.4211T>C, p.Val1404Ala (NM_001129831.2); c.4187T>C, p.Val1396Ala (NM_001129832.2); c.4178T>C, p.Val1393Ala (NM_001129836.2); c.4094T>C, p.Val1365Ala (NM_001129837.2, NM_001129838.2, NM_001129846.2 and 1 more transcripts); c.4088T>C, p.Val1363Ala (NM_001129839.2); and 1 more; short protein forms V1363A, V1365A, V1373A, V1376A, V1393A, V1396A, V1398A, V1404A.
Identifiers: ClinVar variation 4685319 (VCV004685319.1).

ClinVar aggregate classification (germline): Uncertain significance (1 of 4 stars; one submission).

Submission:

GeneDx
Classification: Uncertain significance. Last evaluated: 2025-07-09. Review status: criteria provided, single submitter. Criteria: GeneDx Variant Classification Process June 2021. Collection method: clinical testing. Allele origin: germline. Affected: yes.
Comment: Not observed at significant frequency in large population cohorts (gnomAD); In silico analysis supports that this missense variant has a deleterious effect on protein structure/function; Has not been previously published as pathogenic or benign to our knowledge